The following is an entry in ClinVar:

ClinVar aggregate classification (germline): Benign. Review status: criteria provided, multiple submitters, no conflicts (2 of 4 stars). 3 submissions from 3 submitters: Benign (2). 1 of the submissions does not count toward it. Last evaluated 2026-02-02.

Conditions:
MBTPS1-related disorder. Also called: MBTPS1-related condition.

Allele frequency attached by ClinVar (database versions not stated): gnomAD exomes 0.05001 and 0.03563; gnomAD 0.06821 and 0.06936; ESP Exome Variant Server 0.07008; ExAC 0.05162; TOPMed 0.07176; 1000 Genomes Project 0.08387; 1000 Genomes Project 30x 0.08432.
gnomAD v4.1: 63,077 of 1,613,706 alleles (3.9%); highest among the groups gnomAD compares: African/African-American, 14%; 1,904 homozygotes.

Submissions (3):

Labcorp Genetics (formerly Invitae), Labcorp
Classification: Benign. Last evaluated: 2026-02-02. Review status: criteria provided, single submitter. Criteria: Invitae Variant Classification Sherloc (09022015). Collection method: clinical testing. Allele origin: germline.

Breakthrough Genomics
Classification: Benign. Review status: criteria provided, single submitter. Criteria: ACMG Guidelines, 2015. Collection method: not provided. Allele origin: germline. Inheritance: Autosomal recessive inheritance. Affected: yes.

PreventionGenetics, part of Exact Sciences
Classification: Benign for MBTPS1-related condition. Last evaluated: 2019-11-25. Review status: no assertion criteria provided. Collection method: clinical testing. Allele origin: germline. Not counted in ClinVar's aggregate classification.
Comment: This variant is classified as benign based on ACMG/AMP sequence variant interpretation guidelines (Richards et al. 2015 PMID: 25741868, with internal and published modifications).

NM_003791.4(MBTPS1):c.2274G>A (p.Leu758=)

Gene: MBTPS1 (membrane bound transcription factor peptidase, site 1; minus strand). Cytogenetic location: 16q23.3.
Variant type: single nucleotide variant.
Coding change: c.2274G>A on transcript NM_003791.4 (MANE Select); coding-DNA position 2274, G replaced by A.
Protein change: p.Leu758=; no amino-acid change (leucine 758 retained).
Molecular consequence: synonymous variant.
Genome position (GRCh38, 1-based): chr16:84,066,568, C>T on the plus strand (G>A on the coding strand, the complement: MBTPS1 is on the minus strand). VCF-style: chr16-84066568-C-T. GRCh37 (hg19) VCF-style: chr16-84100173-C-T.
Other names: c.2274G>A (NM_003791.3).
Identifiers: ClinVar variation 1567795 (VCV001567795.11), dbSNP rs11550470, ClinGen allele CA8200980.